The following is an entry in ClinVar:

NM_004329.3(BMPR1A):c.1551T>G (p.Ile517Met)

Gene: BMPR1A (bone morphogenetic protein receptor type 1A; plus strand). Cytogenetic location: 10q23.2.
Variant type: single nucleotide variant.
Coding change: c.1551T>G on transcript NM_004329.3 (MANE Select); coding-DNA position 1551, T replaced by G.
Protein change: p.Ile517Met; replaces isoleucine 517 with methionine.
Molecular consequence: missense variant.
Genome position (GRCh38, 1-based): chr10:86,923,671, T>G. VCF-style: chr10-86923671-T-G. GRCh37 (hg19) VCF-style: chr10-88683428-T-G.
Other names: c.1626T>G, p.Ile542Met (NM_001406559.1); c.1599T>G, p.Ile533Met (NM_001406560.1); c.1551T>G, p.Ile517Met (NM_001406561.1, NM_001406562.1, NM_001406563.1 and 19 more transcripts); c.1209T>G, p.Ile403Met (NM_001406589.1); c.1545T>G, p.Ile515Met (NM_001406583.1); c.1467T>G, p.Ile489Met (NM_001406584.1, NM_001406585.1, NM_001406586.1 and 2 more transcripts); short protein forms I403M, I515M, I489M, I533M, I517M, I542M.
Identifiers: ClinVar variation 1931767 (VCV001931767.6), dbSNP rs1471929511, ClinGen allele CA377463928.

ClinVar aggregate classification (germline): Uncertain significance. Review status: criteria provided, multiple submitters, no conflicts (2 of 4 stars). 2 submissions from 2 submitters: Uncertain significance (2). Last evaluated 2024-07-16.

Conditions:
Juvenile polyposis syndrome (JPS). Identifiers: Orphanet 2929, MedGen C0345893, MONDO:0017380, OMIM 174900.
Hereditary cancer-predisposing syndrome. Also called: Neoplastic Syndromes, Hereditary; Hereditary neoplastic syndrome; Tumor predisposition; Hereditary Cancer Syndrome. Identifiers: Orphanet 140162, MedGen C0027672, MeSH D009386, MONDO:0015356.

Submissions (2):

Ambry Genetics
Classification: Uncertain significance for Hereditary cancer-predisposing syndrome. Last evaluated: 2024-07-16. Review status: criteria provided, single submitter. Criteria: Ambry Variant Classification Scheme 2023. Collection method: clinical testing. Allele origin: germline.
Comment: The p.I517M variant (also known as c.1551T>G), located in coding exon 11 of the BMPR1A gene, results from a T to G substitution at nucleotide position 1551. The isoleucine at codon 517 is replaced by methionine, an amino acid with highly similar properties. This amino acid position is not well conserved in available vertebrate species. In addition, the in silico prediction for this alteration is inconclusive. Based on the available evidence, the clinical significance of this variant remains unclear.

Labcorp Genetics (formerly Invitae), Labcorp
Classification: Uncertain significance for Juvenile polyposis syndrome. Last evaluated: 2022-06-19. Review status: criteria provided, single submitter. Criteria: Invitae Variant Classification Sherloc (09022015). Collection method: clinical testing. Allele origin: germline.
Comment: In summary, the available evidence is currently insufficient to determine the role of this variant in disease. Therefore, it has been classified as a Variant of Uncertain Significance. Advanced modeling of protein sequence and biophysical properties (such as structural, functional, and spatial information, amino acid conservation, physicochemical variation, residue mobility, and thermodynamic stability) performed at Invitae indicates that this missense variant is expected to disrupt BMPR1A protein function. This variant has not been reported in the literature in individuals affected with BMPR1A-related conditions. This variant is not present in population databases (gnomAD no frequency). This sequence change replaces isoleucine, which is neutral and non-polar, with methionine, which is neutral and non-polar, at codon 517 of the BMPR1A protein (p.Ile517Met).